The following is an entry in ClinVar:

NM_000075.4(CDK4):c.-19-1G>T

Gene: CDK4 (cyclin dependent kinase 4; minus strand). Cytogenetic location: 12q14.1.
Variant type: single nucleotide variant.
Coding change: c.-19-1G>T on transcript NM_000075.4 (MANE Select); the canonical splice acceptor site of the intron before 19 bases upstream of the start codon, G replaced by T.
Molecular consequence: splice acceptor variant.
Genome position (GRCh38, 1-based): chr12:57,751,737, C>A on the plus strand (G>T on the coding strand, the complement: CDK4 is on the minus strand). VCF-style: chr12-57751737-C-A. GRCh37 (hg19) VCF-style: chr12-58145520-C-A.
Identifiers: ClinVar variation 3363695 (VCV003363695.1).

ClinVar aggregate classification (germline): Uncertain significance (1 of 4 stars; one submission).

Submission:

GeneDx
Classification: Uncertain significance. Last evaluated: 2023-11-01. Review status: criteria provided, single submitter. Criteria: GeneDx Variant Classification Process June 2021. Collection method: clinical testing. Allele origin: germline. Affected: yes.
Comment: Not observed at significant frequency in large population cohorts (gnomAD); Has not been previously published as pathogenic or benign to our knowledge; Canonical splice site variant in a gene for which loss-of-function is not a known mechanism of disease